The following continues an entry in ClinVar:

NM_000257.4(MYH7):c.1727A>G (p.His576Arg)

Gene: MYH7. ClinVar aggregate classification (germline): Pathogenic/Likely pathogenic. Pathogenic (2); Likely pathogenic (14).

Submissions 8 to 16 of 16:

Women's Health and Genetics/Laboratory Corporation of America, LabCorp
Classification: Likely pathogenic for Cardiomyopathy. Last evaluated: 2024-02-21. Review status: criteria provided, single submitter. Criteria: LabCorp Variant Classification Summary - May 2015. Collection method: clinical testing. Allele origin: germline.
Comment: Variant summary: MYH7 c.1727A>G (p.His576Arg) results in a non-conservative amino acid change located in the Myosin head, motor domain (IPR001609) of the encoded protein sequence. Five of five in-silico tools predict a damaging effect of the variant on protein function. The variant allele was found at a frequency of 1.6e-05 in 251494 control chromosomes. c.1727A>G has been reported in the literature in individuals affected with Cardiomyopathy (examples, Walsh_2017, Ho_2018, Homburger_2017, VanVelzen_2018). These data indicate that the variant is likely to be associated with disease. To our knowledge, no experimental evidence demonstrating an impact on protein function has been reported. The following publications have been ascertained in the context of this evaluation (PMID: 27532257, 30297972, 27247418, 29661763). ClinVar contains an entry for this variant (Variation ID: 177625). Based on the evidence outlined above, the variant was classified as likely pathogenic.

Victorian Clinical Genetics Services, Murdoch Childrens Research Institute
Classification: Likely pathogenic for Hypertrophic cardiomyopathy 1. Last evaluated: 2022-02-02. Review status: criteria provided, single submitter. Criteria: ACMG Guidelines, 2015. Collection method: clinical testing. Allele origin: germline. Inheritance: Autosomal dominant inheritance. Affected: no.
Comment: Based on the classification scheme VCGS_Germline_v1.3.4, this variant is classified as Likely pathogenic. Following criteria are met: 0105 - The mechanism of disease for this gene is not clearly established. However, missense variants have been proposed to act in a dominant negative manner (PMID: 24714796). (I) 0108 - This gene is associated with both recessive and dominant disease. Pathogenic variants in this gene are usually heterozygous, however a recessive inheritance pattern has been observed in severe cases (OMIM). (I) 0112 - The condition associated with this gene has incomplete penetrance (PMID: 29300372). (I) 0200 - Variant is predicted to result in a missense amino acid change from histidine to arginine. (I) 0251 - This variant is heterozygous. (I) 0304 - Variant is present in gnomAD v2 <0.01 for a condition (5 heterozygotes, 0 homozygotes). (SP) 0501 - Missense variant consistently predicted to be damaging by multiple in silico tools or highly conserved with a major amino acid change. (SP) 0602 - Variant is located in a hotspot region or cluster of pathogenic variants. This variant is found within the head region, which is enriched with pathogenic missense variants (PMID: 29300372). (SP) 0705 - No comparable missense variants have previous evidence for pathogenicity. (I) 0801 - This variant has strong previous evidence of pathogenicity in unrelated individuals. This variant has been observed in fifteen individuals with hypertrophic cardiomyopathy (MIM#192600) (ClinVar, LOVD, PMID: 15856146, 19666645, 24111713, 28408708, 28615295, 2732257). (SP) 1208 - Inheritance information for this variant is not currently available in this individual. (I) Legend: (SP) - Supporting pathogenic, (I) - Information, (SB) - Supporting benign

AiLife Diagnostics
Classification: Likely pathogenic. Last evaluated: 2021-11-03. Review status: criteria provided, single submitter. Criteria: ACMG Guidelines, 2015. Collection method: clinical testing. Allele origin: germline. Affected: yes. Observed: 1 variant allele.

Fulgent Genetics
Classification: Likely pathogenic for MYH7-related skeletal myopathy; Myosin storage myopathy; Hypertrophic cardiomyopathy 1; Myopathy, myosin storage, autosomal recessive; Congenital myopathy 4A, autosomal dominant; Dilated cardiomyopathy 1S. Last evaluated: 2021-10-05. Review status: criteria provided, single submitter. Criteria: ACMG Guidelines, 2015. Collection method: clinical testing. Allele origin: unknown.

HudsonAlpha Institute for Biotechnology
Classification: Likely pathogenic for Hypertrophic cardiomyopathy 1. Last evaluated: 2020-03-10. Review status: criteria provided, single submitter. Criteria: ACMG Guidelines, 2015. Collection method: research. Allele origin: unknown. Observed: 1 variant allele. Study: AGHI_GT.

Laboratory for Molecular Medicine, Mass General Brigham Personalized Medicine
Classification: Likely pathogenic for Hypertrophic cardiomyopathy. Last evaluated: 2019-10-15. Review status: criteria provided, single submitter. Criteria: LMM Criteria. Collection method: clinical testing. Allele origin: germline. Observed: 12 variant alleles.
Comment: The p.His576Arg variant in MYH7 has been reported in at least 8 individuals and 1 family member with HCM (Perrot 2005, Michels 2009, Van der Werf 2010, Homburger 2016, LMM data). This variant has also been reported in ClinVar (Variation ID: 177625) and has been identified in 0.004% (1/24950) of African chromosomes and 0.003% (4/126704) of European chromosomes by gnomAD. Computational prediction tools and conservation analyses suggest that this variant may impact the protein, though this information is not predictive enough to determine pathogenicity. In addition, this variant lies in the head region of the protein and missense variants in this region are statistically more likely to be disease-associated (Walsh 2016). In summary, although additional studies are required to fully establish its clinical significance, the p.His576Arg variant meets criteria to be classified as likely pathogenic for autosomal dominant HCM. ACMG/AMP Criteria applied: PS4_Moderate, PM1, PM2, PP3.

Agnes Ginges Centre for Molecular Cardiology, Centenary Institute
Classification: Likely pathogenic for Hypertrophic cardiomyopathy 1. Last evaluated: 2019-01-16. Review status: criteria provided, single submitter. Criteria: ACMG Guidelines, 2015. Collection method: research. Allele origin: germline. Inheritance: Autosomal dominant inheritance. Affected: yes.
Comment: This MYH7 His576Arg variant has previously been observed in unrelated HCM cases (Perrot et al., 2005; Michels et al., 2009; van der Werf et al., 2010; Berge & Leren, 2014; Alfares et al., 2015). Segregation data is limited, however, Michels M, et al. (2009) identified this variant in one HCM index case as well as one family member that fulfilled diagnostic criteria for HCM. Van der Werf C, et al. (2010) identified MYH7 His576Arg in a HCM family with a sudden unexplained death event (note:this family also carries a known pathogenic TNNT2 Arg102Trp variant). This variant is present in the Genome Aggregation Database, at an allele frequency of 0.000018. In a large HCM population study Walsh et al., showed that MYH7 variants identified in HCM cases were found to cluster between amino acids 181- 937 (2017), this implies that variants in this region are likely to cause a HCM phenotype. In silico tools SIFT, PolyPhen-2 and MutationTaster predict this variant to be deleterious. Based on the adapted ACMG criteria (Kelly MA, et al., 2018) this variant is located in a mutational hotspot (PM1), is rare in the general population (PM2), has been reported in at least 6 HCM probands (PS4_Moderate) and multiple in silico tools predict this variant to have a deleterious affect (PP3), therefore we classify MYH7 His576Arg as "likely pathogenic".

CHEO Genetics Diagnostic Laboratory, Children's Hospital of Eastern Ontario
Classification: Likely pathogenic for Cardiomyopathy. Last evaluated: 2018-07-12. Review status: criteria provided, single submitter. Criteria: ACMG Guidelines, 2015. Collection method: clinical testing. Allele origin: germline.

Phosphorus, Inc.
Classification: Likely pathogenic for Hypertrophic cardiomyopathy 1. Last evaluated: 2017-08-01. Review status: criteria provided, single submitter. Criteria: ACMG Guidelines, 2015. Collection method: clinical testing. Allele origin: germline. Observed: 1 variant allele.

Literature cited by the submitters: PubMed 15856146 (cited by 9 submitters); PubMed 19666645 (cited by 8 submitters); PubMed 20646679 (cited by 7 submitters); PubMed 24111713 (cited by 7 submitters); PubMed 27247418 (cited by 8 submitters); PubMed 27532257 (cited by 8 submitters); PubMed 28615295 (cited by 5 submitters); PubMed 30847666 (cited by 4 submitters); PubMed 30868567 (cited by 3 submitters); PubMed 32894683 (cited by Labcorp Genetics (formerly Invitae), Labcorp and AiLife Diagnostics); PubMed 33673806 (cited by 4 submitters); PubMed 2840870 (cited by Color Diagnostics, LLC DBA Color Health and All of Us Research Program, National Institutes of Health); PubMed 33764162 (cited by Color Diagnostics, LLC DBA Color Health and All of Us Research Program, National Institutes of Health); PubMed 34542152 (cited by Color Diagnostics, LLC DBA Color Health and All of Us Research Program, National Institutes of Health); PubMed 24835277 (cited by Ambry Genetics and Agnes Ginges Centre for Molecular Cardiology, Centenary Institute); PubMed 28408708 (cited by 3 submitters); PubMed 28606303 (cited by Ambry Genetics); PubMed 30275503 (cited by Ambry Genetics); PubMed 34495297 (cited by Ambry Genetics); PubMed 35653365 (cited by Ambry Genetics); PubMed 36136372 (cited by Ambry Genetics); PubMed 30297972 (cited by Women's Health and Genetics/Laboratory Corporation of America, LabCorp); PubMed 29661763 (cited by Women's Health and Genetics/Laboratory Corporation of America, LabCorp); PubMed 2732257 (cited by Victorian Clinical Genetics Services, Murdoch Childrens Research Institute); PubMed 24714796 (cited by Victorian Clinical Genetics Services, Murdoch Childrens Research Institute); PubMed 29300372 (cited by Victorian Clinical Genetics Services, Murdoch Childrens Research Institute); PubMed 31447099 (cited by AiLife Diagnostics); PubMed 25611685 (cited by Agnes Ginges Centre for Molecular Cardiology, Centenary Institute and Phosphorus, Inc.).